The following is an entry in ClinVar:

ClinVar aggregate classification (germline): Conflicting classifications of pathogenicity. Review status: criteria provided, conflicting classifications (1 of 4 stars). 2 submissions from 2 submitters: Uncertain significance (1); Likely benign (1). Last evaluated 2025-12-17.

Conditions:
Genitopatellar syndrome (GTPTS). Also called: ABSENT PATELLAE, SCROTAL HYPOPLASIA, RENAL ANOMALIES, FACIAL DYSMORPHISM, AND MENTAL RETARDATION; Genitopatellar syndrome (GPS). Identifiers: Orphanet 85201, MedGen C1853566, MONDO:0011640, OMIM 606170.

Submissions (2):

Labcorp Genetics (formerly Invitae), Labcorp
Classification: Likely benign for Genitopatellar syndrome. Last evaluated: 2025-12-17. Review status: criteria provided, single submitter. Criteria: Invitae Variant Classification Sherloc (09022015). Collection method: clinical testing. Allele origin: germline.

Women's Health and Genetics/Laboratory Corporation of America, LabCorp
Classification: Uncertain significance. Last evaluated: 2024-02-19. Review status: criteria provided, single submitter. Criteria: LabCorp Variant Classification Summary - May 2015. Collection method: clinical testing. Allele origin: germline.
Comment: Variant summary: KAT6B c.3270_3278delTGAAGAGGA (p.Asp1090_Glu1092del) results in an in-frame deletion that is predicted to remove 3 amino acids from the encoded protein. The variant allele was found at a frequency of 2e-05 in 247328 control chromosomes. The available data on variant occurrences in the general population are insufficient to allow any conclusion about variant significance. To our knowledge, no occurrence of c.3270_3278delTGAAGAGGA in individuals affected with KAT6B-Related Spectrum Disorders and no experimental evidence demonstrating its impact on protein function have been reported. ClinVar contains an entry for this variant (Variation ID: 1626090). Based on the evidence outlined above, the variant was classified as uncertain significance.

NM_012330.4(KAT6B):c.3270_3278del (p.Asp1090_Glu1092del)

Gene: KAT6B (lysine acetyltransferase 6B; plus strand). Cytogenetic location: 10q22.2.
Variant type: Deletion.
Coding change: c.3270_3278del on transcript NM_012330.4 (MANE Select); coding-DNA positions 3270 to 3278, 9 bases deleted (TGAAGAGGA; older notation c.3270_3278delTGAAGAGGA).
Protein change: p.Asp1090_Glu1092del.
Molecular consequence: inframe deletion.
Genome position (GRCh38, 1-based): chr10:75,022,129-75,022,137, TGAAGAGGA deleted; deleting any 9 consecutive bases within chr10:75,022,121-75,022,137 gives the same sequence; the c. name uses the placement nearest the transcript's 3' end. VCF-style (leftmost placement, unchanged base first): chr10-75022120-GGAAGAGGAT-G. GRCh37 (hg19) VCF-style: chr10-76781878-GGAAGAGGAT-G.
Other names: c.2721_2729del, p.Asp907_Glu909del (NM_001256468.2, NM_001370138.1); c.2394_2402del, p.Asp798_Glu800del (NM_001256469.2, NM_001370139.1, NM_001370140.1 and 2 more transcripts); c.2232_2240del, p.Asp744_Glu746del (NM_001370132.1); c.1581_1589del, p.Asp527_Glu529del (NM_001370133.1); c.1185_1193del, p.Asp395_Glu397del (NM_001370134.1); c.927_935del, p.Asp309_Glu311del (NM_001370135.1); c.3270_3278del, p.Asp1090_Glu1092del (NM_001370136.1, NM_001370137.1); c.2205_2213del, p.Asp735_Glu737del (NM_001370143.1, NM_001370144.1); and 1 more.
Identifiers: ClinVar variation 1626090 (VCV001626090.10), dbSNP rs771834072, ClinGen allele CA5564773.